The following is an entry in ClinVar:

NM_001365999.1(SZT2):c.6644G>C (p.Gly2215Ala)

Gene: SZT2 (SZT2 subunit of KICSTOR complex; plus strand). Cytogenetic location: 1p34.2.
Variant type: single nucleotide variant.
Coding change: c.6644G>C on transcript NM_001365999.1 (MANE Select); coding-DNA position 6644, G replaced by C.
Protein change: p.Gly2215Ala; replaces glycine 2215 with alanine.
Molecular consequence: missense variant.
Genome position (GRCh38, 1-based): chr1:43,438,945, G>C. VCF-style: chr1-43438945-G-C. GRCh37 (hg19) VCF-style: chr1-43904616-G-C.
Other names: c.6473G>C, p.Gly2158Ala (NM_015284.4); short protein forms G2215A, G2158A.
Identifiers: ClinVar variation 2083926 (VCV002083926.4), dbSNP rs1654758409, ClinGen allele CA340031478.

ClinVar aggregate classification (germline): Uncertain significance (1 of 4 stars; one submission).

Submission:

Labcorp Genetics (formerly Invitae), Labcorp
Classification: Uncertain significance. Last evaluated: 2022-01-15. Review status: criteria provided, single submitter. Criteria: Invitae Variant Classification Sherloc (09022015). Collection method: clinical testing. Allele origin: germline.
Comment: Algorithms developed to predict the effect of missense changes on protein structure and function are either unavailable or do not agree on the potential impact of this missense change (SIFT: "Tolerated"; PolyPhen-2: "Probably Damaging"; Align-GVGD: "Class C0"). In summary, the available evidence is currently insufficient to determine the role of this variant in disease. Therefore, it has been classified as a Variant of Uncertain Significance. This variant has not been reported in the literature in individuals affected with SZT2-related conditions. This variant is not present in population databases (gnomAD no frequency). This sequence change replaces glycine, which is neutral and non-polar, with alanine, which is neutral and non-polar, at codon 2158 of the SZT2 protein (p.Gly2158Ala).